The following is an entry in ClinVar:

ClinVar aggregate classification (germline): Pathogenic (1 of 4 stars; one submission).

Conditions:
Rhabdoid tumor predisposition syndrome 2 (RTPS2). Identifiers: Orphanet 231108, Orphanet 69077, MedGen C2750074, MONDO:0013224, OMIM 613325.

Submission:

Myriad Genetics, Inc.
Classification: Pathogenic for Rhabdoid tumor predisposition syndrome 2. Last evaluated: 2026-03-25. Review status: criteria provided, single submitter. Criteria: Myriad Autosomal Dominant, Autosomal Recessive and X-Linked Classification Criteria (2023). Collection method: clinical testing. Allele origin: unknown.
Comment: This variant is considered pathogenic. This variant creates a termination codon and is predicted to result in premature protein truncation.

NM_003072.5(SMARCA4):c.1102C>T (p.Gln368Ter)

Gene: SMARCA4 (SWI/SNF related BAF chromatin remodeling complex subunit ATPase 4; plus strand). Cytogenetic location: 19p13.2.
Variant type: single nucleotide variant.
Coding change: c.1102C>T on transcript NM_003072.5 (MANE Select); coding-DNA position 1102, C replaced by T.
Protein change: p.Gln368Ter; replaces glutamine 368 with a stop codon.
Molecular consequence: nonsense. On other transcripts: non-coding transcript variant (1).
Genome position (GRCh38, 1-based): chr19:10,987,908, C>T. VCF-style: chr19-10987908-C-T. GRCh37 (hg19) VCF-style: chr19-11098584-C-T.
Other names: c.1102C>T, p.Gln368Ter (NM_001128844.3, NM_001128845.2, NM_001128846.2 and 6 more transcripts); short protein forms Q368*.
Identifiers: ClinVar variation 4856766 (VCV004856766.1).
Genomic context (GRCh38, chr19:10,987,908, plus strand): 5'-AAGCAGAGCCGCATCACCCCCATCCAGAAGCCGCGGGGCCTCGACCCTGTGGAGATCCTG[C>T]AGGAGCGCGAGTACAGGTGAGGGCGGGGCCCAGTTGCCAAGGTCACTGCCCTGTGTCCCC-3'